The following is an entry in ClinVar:

ClinVar aggregate classification (germline): Uncertain significance (1 of 4 stars; one submission).

Conditions:
Hereditary cancer-predisposing syndrome. Also called: Neoplastic Syndromes, Hereditary; Tumor predisposition; Hereditary neoplastic syndrome; Hereditary Cancer Syndrome. Identifiers: Orphanet 140162, MedGen C0027672, MeSH D009386, MONDO:0015356.

Submission:

Ambry Genetics
Classification: Uncertain significance for Hereditary cancer-predisposing syndrome. Last evaluated: 2022-12-06. Review status: criteria provided, single submitter. Criteria: Ambry Variant Classification Scheme 2023. Collection method: clinical testing. Allele origin: germline.
Comment: The c.2319-5_2319-4delTCinsAA intronic variant, located in intron 16 of the MSH3 gene, results from an in-frame deletion of two nucleotides (TC) and the insertion of two nucleotides (AA) at nucleotide positions 2319-5 to 2319-4. These nucleotide positions are not well conserved in available vertebrate species. In silico splice site analysis predicts that this alteration will not have any significant effect on splicing. Since supporting evidence is limited at this time, the clinical significance of this alteration remains unclear.

NM_002439.5(MSH3):c.2319-5_2319-4delinsAA

Gene: MSH3 (mutS homolog 3; plus strand). Cytogenetic location: 5q14.1.
Variant type: Indel.
Coding change: c.2319-5_2319-4delinsAA on transcript NM_002439.5 (MANE Select); 5 bases into the intron before coding-DNA position 2319 through 4 bases into the intron before coding-DNA position 2319, TC replaced by AA.
Molecular consequence: intron variant.
Genome position (GRCh38, 1-based): chr5:80,778,715-80,778,716, TC replaced by AA. VCF-style: chr5-80778715-TC-AA. GRCh37 (hg19) VCF-style: chr5-80074534-TC-AA.
Identifiers: ClinVar variation 2451044 (VCV002451044.2), dbSNP rs2546779417, ClinGen allele CA2580073584.